The following is an entry in ClinVar:

NM_017780.4(CHD7):c.5665+9C>T

Gene: CHD7 (chromodomain helicase DNA binding protein 7; plus strand). Cytogenetic location: 8q12.2.
Variant type: single nucleotide variant.
Coding change: c.5665+9C>T on transcript NM_017780.4 (MANE Select); 9 bases into the intron after coding-DNA position 5665, C replaced by T.
Molecular consequence: intron variant.
Genome position (GRCh38, 1-based): chr8:60,851,328, C>T. VCF-style: chr8-60851328-C-T. GRCh37 (hg19) VCF-style: chr8-61763887-C-T.
Other names: c.1717-10901C>T (NM_001316690.1); c.5665+9C>T (LRG_176t1, NM_017780.3).
Identifiers: ClinVar variation 384794 (VCV000384794.11), dbSNP rs568256905, ClinGen allele CA4760426.

ClinVar aggregate classification (germline): Likely benign. Review status: criteria provided, multiple submitters, no conflicts (2 of 4 stars). 3 submissions from 3 submitters: Likely benign (2). 1 of the submissions does not count toward it. Last evaluated 2024-09-15.

Conditions:
CHARGE syndrome (CHARGE). Also called: CHARGE ASSOCIATION--COLOBOMA, HEART ANOMALY, CHOANAL ATRESIA, RETARDATION, GENITAL AND EAR ANOMALIES; Coloboma, heart anomaly, choanal atresia, retardation, genital and ear anomalies; CHARGE association; Hall-Hittner syndrome; Hittner Hirsch Kreh syndrome. Identifiers: Orphanet 138, MedGen C0265354, MONDO:0008965.
CHD7-related disorder. Also called: CHD7-related condition.

Allele frequency attached by ClinVar (database versions not stated): ExAC below 0.00001; gnomAD 0.00001 and 0.00003; gnomAD exomes 0.00001 and 0.00002; TOPMed 0.00003; 1000 Genomes Project 30x 0.00016; 1000 Genomes Project 0.00020.
gnomAD v4.1: 15 of 1,556,026 alleles (0.00096%); highest among the groups gnomAD compares: East Asian, 0.017%; no homozygotes.

Submissions (3):

Labcorp Genetics (formerly Invitae), Labcorp
Classification: Likely benign for CHARGE syndrome. Last evaluated: 2024-09-15. Review status: criteria provided, single submitter. Criteria: Invitae Variant Classification Sherloc (09022015). Collection method: clinical testing. Allele origin: germline.

GeneDx
Classification: Likely benign. Last evaluated: 2016-03-10. Review status: criteria provided, single submitter. Criteria: GeneDx Variant Classification (06012015). Collection method: clinical testing. Allele origin: germline. Affected: yes.
Comment: This variant is considered likely benign or benign based on one or more of the following criteria: it is a conservative change, it occurs at a poorly conserved position in the protein, it is predicted to be benign by multiple in silico algorithms, and/or has population frequency not consistent with disease.

PreventionGenetics, part of Exact Sciences
Classification: Likely benign for CHD7-related condition. Last evaluated: 2019-11-08. Review status: no assertion criteria provided. Collection method: clinical testing. Allele origin: germline. Not counted in ClinVar's aggregate classification.
Comment: This variant is classified as likely benign based on ACMG/AMP sequence variant interpretation guidelines (Richards et al. 2015 PMID: 25741868, with internal and published modifications).